The following is an entry in ClinVar:

NM_001379081.2(FREM1):c.4069G>A (p.Gly1357Arg)

Gene: FREM1 (FRAS1 related extracellular matrix 1; minus strand). Cytogenetic location: 9p22.3.
Variant type: single nucleotide variant.
Coding change: c.4069G>A on transcript NM_001379081.2 (MANE Select); coding-DNA position 4069, G replaced by A.
Protein change: p.Gly1357Arg; replaces glycine 1357 with arginine.
Molecular consequence: missense variant. On other transcripts: non-coding transcript variant (1).
Genome position (GRCh38, 1-based): chr9:14,789,027, C>T on the plus strand (G>A on the coding strand, the complement: FREM1 is on the minus strand). VCF-style: chr9-14789027-C-T. GRCh37 (hg19) VCF-style: chr9-14789025-C-T.
Other names: c.4069G>A, p.Gly1357Arg (NM_144966.7); short protein forms G1357R.
Identifiers: ClinVar variation 912721 (VCV000912721.8), dbSNP rs775399423, ClinGen allele CA4990309.
Genomic context (GRCh38, chr9:14,789,027, plus strand): 5'-TGTTGTTGCCATCCCAAAGGTAGAAGGTGAAGCTATCTTGATTCTGGGAATCCATTGCCC[C>T]GGTGTGTGTGTATCTCAGCAAGTTCAGATCCACTTCCTCCTGAGTGCATTTCATGCCAGG-3'
Protein context (NP_001366010.1, residues 1347-1367): DLNLLRYTHT[Gly1357Arg]AMDSQNQDSF

ClinVar aggregate classification (germline): Conflicting classifications of pathogenicity. Review status: criteria provided, conflicting classifications (1 of 4 stars). 5 submissions from 5 submitters: Uncertain significance (4); Likely benign (1). Last evaluated 2024-09-22.

Conditions:
BNAR syndrome. Also called: Bifid Nose With or Without Anorectal and Renal Anomalies (BNAR) Syndrome. Identifiers: Orphanet 217266, MedGen C2750433, MONDO:0012165, OMIM 608980.
Oculotrichoanal syndrome (MOTA). Also called: MARLES SYNDROME; Manitoba Oculotrichoanal (MOTA) Syndrome. Identifiers: Orphanet 2717, MedGen C1855425, MONDO:0009560, OMIM 248450.
Trigonocephaly 2 (TRIGNO2). Identifiers: Orphanet 3366, MedGen C3280974, MONDO:0013774, OMIM 614485.

Allele frequency attached by ClinVar (database versions not stated): gnomAD exomes 0.00004 and 0.00005; TOPMed 0.00009; gnomAD 0.00015 and 0.00013; ExAC 0.00009.
gnomAD v4.1: 84 of 1,611,270 alleles (0.0052%); highest among the groups gnomAD compares: Middle Eastern, 0.033%; no homozygotes.

Submissions (5):

Genomic Medicine Center of Excellence, King Faisal Specialist Hospital and Research Centre
Classification: Uncertain significance for Oculotrichoanal syndrome. Last evaluated: 2024-09-22. Review status: criteria provided, single submitter. Criteria: ACMG Guidelines, 2015. Collection method: clinical testing. Allele origin: germline.

3billion
Classification: Likely benign for Oculotrichoanal syndrome; BNAR syndrome. Last evaluated: 2024-09-20. Review status: criteria provided, single submitter. Criteria: ACMG Guidelines, 2015. Collection method: clinical testing. Allele origin: germline. Affected: no.
Comment: The homozygous variant was found in patients diagnosed with another variant in a different gene, with no symptoms related to the gene containing the homozygous variant.

Labcorp Genetics (formerly Invitae), Labcorp
Classification: Uncertain significance. Last evaluated: 2022-04-28. Review status: criteria provided, single submitter. Criteria: Invitae Variant Classification Sherloc (09022015). Collection method: clinical testing. Allele origin: germline.
Comment: This sequence change replaces glycine, which is neutral and non-polar, with arginine, which is basic and polar, at codon 1357 of the FREM1 protein (p.Gly1357Arg). This variant is present in population databases (rs775399423, gnomAD 0.03%). This variant has not been reported in the literature in individuals affected with FREM1-related conditions. ClinVar contains an entry for this variant (Variation ID: 912721). Algorithms developed to predict the effect of missense changes on protein structure and function output the following: SIFT: "Deleterious"; PolyPhen-2: "Benign"; Align-GVGD: "Class C15". The arginine amino acid residue is found in multiple mammalian species, which suggests that this missense change does not adversely affect protein function. In summary, the available evidence is currently insufficient to determine the role of this variant in disease. Therefore, it has been classified as a Variant of Uncertain Significance.

Fulgent Genetics
Classification: Uncertain significance for Oculotrichoanal syndrome; BNAR syndrome; Trigonocephaly 2. Last evaluated: 2021-10-29. Review status: criteria provided, single submitter. Criteria: ACMG Guidelines, 2015. Collection method: clinical testing. Allele origin: unknown.

Illumina Laboratory Services, Illumina
Classification: Uncertain significance for Oculotrichoanal syndrome. Last evaluated: 2018-01-13. Review status: criteria provided, single submitter. Criteria: ICSL Variant Classification Criteria 13 December 2019. Collection method: clinical testing. Allele origin: germline.